The following is an entry in ClinVar:

ClinVar aggregate classification (germline): Benign/Likely benign. Review status: criteria provided, multiple submitters, no conflicts (2 of 4 stars). 9 submissions from 9 submitters: Benign (1); Likely benign (7). 1 of the submissions does not count toward it. Last evaluated 2026-01-28.

Conditions:
Familial adenomatous polyposis 1 (FAP1). Also called: FAMILIAL ADENOMATOUS POLYPOSIS 1, ATTENUATED; POLYPOSIS, ADENOMATOUS INTESTINAL. Identifiers: MedGen C2713442, MONDO:0021056, OMIM 175100. Disease mechanism: loss of function.
Classic or attenuated familial adenomatous polyposis. Identifiers: MedGen CN372698, MONDO:0021057.
APC-related disorder. Also called: APC-related condition.
Hereditary cancer-predisposing syndrome. Also called: Tumor predisposition; Neoplastic Syndromes, Hereditary; Hereditary neoplastic syndrome; Hereditary Cancer Syndrome. Identifiers: Orphanet 140162, MedGen C0027672, MeSH D009386, MONDO:0015356.

Allele frequency attached by ClinVar (database versions not stated): gnomAD 0.00001; TOPMed 0.00002.
gnomAD v4.1: 30 of 1,611,834 alleles (0.0019%); highest among the groups gnomAD compares: Non-Finnish European, 0.0025%; no homozygotes.

Submissions (9):

Labcorp Genetics (formerly Invitae), Labcorp
Classification: Likely benign for Familial adenomatous polyposis 1. Last evaluated: 2026-01-28. Review status: criteria provided, single submitter. Criteria: Invitae Variant Classification Sherloc (09022015). Collection method: clinical testing. Allele origin: germline.

Center for Genomic Medicine, Rigshospitalet, Copenhagen University Hospital
Classification: Likely benign. Last evaluated: 2025-03-04. Review status: criteria provided, single submitter. Criteria: ACMG Guidelines, 2015. Collection method: clinical testing. Allele origin: germline.

Women's Health and Genetics/Laboratory Corporation of America, LabCorp
Classification: Likely benign. Last evaluated: 2024-06-22. Review status: criteria provided, single submitter. Criteria: LabCorp Variant Classification Summary - May 2015. Collection method: clinical testing. Allele origin: germline.

Myriad Genetics, Inc.
Classification: Benign for Familial adenomatous polyposis 1. Last evaluated: 2024-03-08. Review status: criteria provided, single submitter. Criteria: Myriad Autosomal Dominant, Autosomal Recessive and X-Linked Classification Criteria (2023). Collection method: clinical testing. Allele origin: unknown.
Comment: This variant is considered benign. This variant is a silent/synonymous amino acid change and it is not expected to impact splicing.

All of Us Research Program, National Institutes of Health
Classification: Likely benign for Classic or attenuated familial adenomatous polyposis. Last evaluated: 2023-10-23. Review status: criteria provided, single submitter. Criteria: ACMG Guidelines, 2015. Collection method: clinical testing. Allele origin: germline. Inheritance: Autosomal dominant inheritance. Observed: 9 variant alleles, 9 heterozygotes.
Comment: This study involves interpretation of variants in research participants for the purpose of population health screening. Participant phenotype was not available at the time of variant classification. Additional details can be found in publication PMID: 35346344, PMCID: PMC8962531

GeneDx
Classification: Likely benign. Last evaluated: 2019-05-16. Review status: criteria provided, single submitter. Criteria: GeneDx Variant Classification Process June 2021. Collection method: clinical testing. Allele origin: germline. Affected: yes.

Color Diagnostics, LLC DBA Color Health
Classification: Likely benign for Hereditary cancer-predisposing syndrome. Last evaluated: 2016-08-15. Review status: criteria provided, single submitter. Criteria: ACMG Guidelines, 2015. Collection method: clinical testing. Allele origin: germline.

Ambry Genetics
Classification: Likely benign for Hereditary cancer-predisposing syndrome. Last evaluated: 2015-07-30. Review status: criteria provided, single submitter. Criteria: Ambry Variant Classification Scheme 2023. Collection method: clinical testing. Allele origin: germline.

PreventionGenetics, part of Exact Sciences
Classification: Likely benign for APC-related condition. Last evaluated: 2022-04-10. Review status: no assertion criteria provided. Collection method: clinical testing. Allele origin: germline. Not counted in ClinVar's aggregate classification.
Comment: This variant is classified as likely benign based on ACMG/AMP sequence variant interpretation guidelines (Richards et al. 2015 PMID: 25741868, with internal and published modifications).

NM_000038.6(APC):c.1965C>T (p.Ile655=)

Gene: APC (APC regulator of Wnt signaling pathway; plus strand). Cytogenetic location: 5q22.2.
Variant type: single nucleotide variant.
Coding change: c.1965C>T on transcript NM_000038.6 (MANE Select); coding-DNA position 1965, C replaced by T.
Protein change: p.Ile655=; no amino-acid change (isoleucine 655 retained).
Molecular consequence: synonymous variant.
Genome position (GRCh38, 1-based): chr5:112,837,559, C>T. VCF-style: chr5-112837559-C-T. GRCh37 (hg19) VCF-style: chr5-112173256-C-T.
Other names: c.1965C>T, p.Ile655= (NM_001127510.3, NM_001354895.2); c.1911C>T, p.Ile637= (NM_001127511.3); c.2019C>T, p.Ile673= (NM_001354896.2); c.1995C>T, p.Ile665= (NM_001354897.2); c.1890C>T, p.Ile630= (NM_001354898.2); c.1881C>T, p.Ile627= (NM_001354899.2); c.1842C>T, p.Ile614= (NM_001354900.2); c.1788C>T, p.Ile596= (NM_001354901.2); and 5 more.
Identifiers: ClinVar variation 416727 (VCV000416727.27), dbSNP rs765309567, ClinGen allele CA16611782.